The following is an entry in ClinVar:

NM_138409.4(MRAP2):c.228-1868A>C

Gene: MRAP2 (melanocortin 2 receptor accessory protein 2; plus strand). Cytogenetic location: 6q14.2.
Variant type: single nucleotide variant.
Coding change: c.228-1868A>C on transcript NM_138409.4 (MANE Select); 1868 bases into the intron before coding-DNA position 228, A replaced by C.
Molecular consequence: intron variant. On other transcripts: missense variant (1).
Genome position (GRCh38, 1-based): chr6:84,087,223, A>C. VCF-style: chr6-84087223-A-C. GRCh37 (hg19) VCF-style: chr6-84796942-A-C.
Other names: c.4A>C, p.Asn2His (NM_001346543.2); c.228-1868A>C (NM_001346542.2, NM_001346544.2); c.-31-1868A>C (NM_001346541.2); short protein forms N2H.
Identifiers: ClinVar variation 4990268 (VCV004990268.1).

ClinVar aggregate classification (germline): Uncertain significance (1 of 4 stars; one submission).

Conditions:
MRAP2-related disorder. Also called: MRAP2-related condition.

gnomAD v4.1: 1 of 152,194 alleles (0.00066%); highest among the groups gnomAD compares: Admixed American, 0.0065%; no homozygotes.

Submission:

PreventionGenetics, part of Exact Sciences
Classification: Uncertain significance for MRAP2-related condition. Last evaluated: 2025-01-30. Review status: criteria provided, single submitter. Criteria: ACMG Guidelines, 2015. Collection method: clinical testing. Allele origin: germline.
Comment: The MRAP2 c.4A>C variant is predicted to result in the amino acid substitution p.Asn2His. To our knowledge, this variant has not been reported in the literature or in a large population database (gnomAD), indicating this variant is rare. This change is also known as a deep intronic variant c.228-1868A>C on the primary transcript NM_138409 and is predicted to have no splicing impact (Alamut Visual Plus v1.6.1; SpliceAI, Jaganathan et al. 2019. PubMed ID: 30661751). At this time, the clinical significance of this variant is uncertain due to the absence of conclusive functional and genetic evidence.